The following is an entry in ClinVar:

ClinVar aggregate classification (germline): Uncertain significance (1 of 4 stars; one submission).

Conditions:
Atrioventricular septal defect 4 (AVSD4). Identifiers: MedGen C3280781, MONDO:0013747, OMIM 614430.

gnomAD v4.1: 3 of 1,555,700 alleles (0.00019%); highest among the groups gnomAD compares: Non-Finnish European, 0.00026%; no homozygotes.

Submission:

Labcorp Genetics (formerly Invitae), Labcorp
Classification: Uncertain significance for Atrioventricular septal defect 4. Last evaluated: 2025-07-23. Review status: criteria provided, single submitter. Criteria: Invitae Variant Classification Sherloc (09022015). Collection method: clinical testing. Allele origin: germline.
Comment: This sequence change replaces glycine, which is neutral and non-polar, with cysteine, which is neutral and slightly polar, at codon 22 of the GATA4 protein (p.Gly22Cys). This variant is not present in population databases (gnomAD no frequency). This variant has not been reported in the literature in individuals affected with GATA4-related conditions. ClinVar contains an entry for this variant (Variation ID: 2174187). Invitae Evidence Modeling of protein sequence and biophysical properties (such as structural, functional, and spatial information, amino acid conservation, physicochemical variation, residue mobility, and thermodynamic stability) has been performed for this missense variant. However, the output from this modeling did not meet the statistical confidence thresholds required to predict the impact of this variant on GATA4 protein function. In summary, the available evidence is currently insufficient to determine the role of this variant in disease. Therefore, it has been classified as a Variant of Uncertain Significance.

NM_001308093.3(GATA4):c.64G>T (p.Gly22Cys)

Gene: GATA4 (GATA binding protein 4). Cytogenetic location: 8p23.1.
Variant type: single nucleotide variant.
Coding change: c.64G>T on transcript NM_001308093.3 (MANE Select); coding-DNA position 64, G replaced by T.
Protein change: p.Gly22Cys; replaces glycine 22 with cysteine.
Molecular consequence: missense variant. On other transcripts: intron variant (3).
Genome position (GRCh38, 1-based): chr8:11,708,376, G>T. VCF-style: chr8-11708376-G-T. GRCh37 (hg19) VCF-style: chr8-11565885-G-T.
Other names: c.64G>T, p.Gly22Cys (NM_002052.5); c.-6+7598G>T (NM_001308094.2); c.-3+362G>T (NM_001374274.1); c.-3+4072G>T (NM_001374273.1); short protein forms G22C.
Identifiers: ClinVar variation 2174187 (VCV002174187.4), dbSNP rs2486778757, ClinGen allele CA370308703.